The following is an entry in ClinVar:

ClinVar aggregate classification (germline): Uncertain significance (1 of 4 stars; one submission).

Submission:

GeneDx
Classification: Uncertain significance. Last evaluated: 2025-06-11. Review status: criteria provided, single submitter. Criteria: GeneDx Variant Classification Process June 2021. Collection method: clinical testing. Allele origin: germline. Affected: yes.
Comment: Not observed at significant frequency in large population cohorts (gnomAD); In silico analysis suggests that this missense variant does not alter protein structure/function; Has not been previously published as pathogenic or benign to our knowledge; This variant is associated with the following publications: (PMID: 12668474)

NM_000540.3(RYR1):c.8326T>C (p.Ser2776Pro)

Genes: RYR1 (ryanodine receptor 1; plus strand), LOC126862902 (BRD4-independent group 4 enhancer GRCh37_chr19:38995830-38997029; plus strand). Cytogenetic location: 19q13.2.
Variant type: single nucleotide variant.
Coding change: c.8326T>C on transcript NM_000540.3 (MANE Select); coding-DNA position 8326, T replaced by C.
Protein change: p.Ser2776Pro; replaces serine 2776 with proline.
Molecular consequence: missense variant.
Genome position (GRCh38, 1-based): chr19:38,505,324, T>C. VCF-style: chr19-38505324-T-C. GRCh37 (hg19) VCF-style: chr19-38995964-T-C.
Other names: c.8326T>C, p.Ser2776Pro (NM_001042723.2); short protein forms S2776P.
Identifiers: ClinVar variation 4538119 (VCV004538119.1).
Genomic context (GRCh38, chr19:38,505,324, plus strand): 5'-CCCAACTGCTGCCTCCCCCTCACCCTGCCTCCCCTCCATCTCTAGATCCAGAACAACTGG[T>C]CCTATGGAGAGAACATAGACGAGGAGCTGAAGACCCACCCCATGCTGAGGCCCTACAAGA-3'
Protein context (NP_000531.2, residues 2766-2786): WAFDKIQNNW[Ser2776Pro]YGENIDEELK